The following is an entry in ClinVar:

NM_003738.5(PTCH2):c.1507G>A (p.Val503Ile)

Gene: PTCH2 (patched 2; minus strand). Cytogenetic location: 1p34.1.
Variant type: single nucleotide variant.
Coding change: c.1507G>A on transcript NM_003738.5 (MANE Select); coding-DNA position 1507, G replaced by A.
Protein change: p.Val503Ile; replaces valine 503 with isoleucine.
Molecular consequence: missense variant.
Genome position (GRCh38, 1-based): chr1:44,828,589, C>T on the plus strand (G>A on the coding strand, the complement: PTCH2 is on the minus strand). VCF-style: chr1-44828589-C-T. GRCh37 (hg19) VCF-style: chr1-45294261-C-T.
Other names: c.1507G>A, p.Val503Ile (NM_001166292.2); short protein forms V503I.
Identifiers: ClinVar variation 409124 (VCV000409124.13), dbSNP rs147284320, ClinGen allele CA823281.

ClinVar aggregate classification (germline): Likely benign. Review status: criteria provided, single submitter (1 of 4 stars). 2 submissions from 2 submitters: Likely benign (1). 1 of the submissions does not count toward it. Last evaluated 2025-08-18.

Conditions:
Gorlin syndrome. Also called: Nevoid Basal Cell Carcinoma Syndrome; Basal cell nevus syndrome. Identifiers: Orphanet 377, MedGen C0004779, MONDO:0007187.
PTCH2-related disorder. Also called: PTCH2-related condition; PTCH2-related disease.

Allele frequency attached by ClinVar (database versions not stated): gnomAD exomes 0.00009 and 0.00014; ExAC 0.00016; gnomAD 0.00025; TOPMed 0.00025; 1000 Genomes Project 30x 0.00031; 1000 Genomes Project 0.00040; ESP Exome Variant Server 0.00062.
gnomAD v4.1: 164 of 1,613,818 alleles (0.01%); highest among the groups gnomAD compares: African/African-American, 0.064%; no homozygotes.

Submissions (2):

Labcorp Genetics (formerly Invitae), Labcorp
Classification: Likely benign for Gorlin syndrome. Last evaluated: 2025-08-18. Review status: criteria provided, single submitter. Criteria: Invitae Variant Classification Sherloc (09022015). Collection method: clinical testing. Allele origin: germline.

PreventionGenetics, part of Exact Sciences
Classification: Uncertain significance for PTCH2-related condition. Last evaluated: 2024-08-02. Review status: no assertion criteria provided. Collection method: clinical testing. Allele origin: germline. Not counted in ClinVar's aggregate classification.
Comment: The PTCH2 c.1507G>A variant is predicted to result in the amino acid substitution p.Val503Ile. To our knowledge, this variant has not been reported in the literature. This variant is reported in 0.085% of alleles in individuals of African descent in gnomAD, which may be too common to be a primary cause of disease. This variant has been documented in ClinVar as likely benign. Although we suspect that this variant may be benign, at this time, the clinical significance of this variant is uncertain due to the absence of conclusive functional and genetic evidence.